The following is an entry in ClinVar:

NM_000170.3(GLDC):c.356_362del (p.Thr119fs)

Gene: GLDC (glycine decarboxylase; minus strand). Cytogenetic location: 9p24.1.
Variant type: Deletion.
Coding change: c.356_362del on transcript NM_000170.3 (MANE Select); coding-DNA positions 356 to 362, 7 bases deleted (CTCTGCA; older notation c.356_362delCTCTGCA).
Protein change: p.Thr119fs; shifts the reading frame from threonine 119.
Molecular consequence: frameshift variant.
Genome position (GRCh38, 1-based): chr9:6,620,292-6,620,298, TGCAGAG deleted on the plus strand (CTCTGCA on the coding strand, the reverse complement: GLDC is on the minus strand); deleting any 7 consecutive bases within chr9:6,620,292-6,620,299 gives the same sequence; the c. name uses the placement nearest the transcript's 3' end. VCF-style (leftmost placement, unchanged base first): chr9-6620291-ATGCAGAG-A. GRCh37 (hg19) VCF-style: chr9-6620291-ATGCAGAG-A.
Other names: short protein forms T119fs.
Identifiers: ClinVar variation 2108431 (VCV002108431.4), dbSNP rs2489124753, ClinGen allele CA2580080235.

ClinVar aggregate classification (germline): Pathogenic (1 of 4 stars; one submission).

Conditions:
Glycine encephalopathy. Also called: Nonketotic hyperglycinemia; Non-ketotic hyperglycinemia. Identifiers: Orphanet 407, MedGen C0751748, MONDO:0011612, HP:0008288.

Submission:

Labcorp Genetics (formerly Invitae), Labcorp
Classification: Pathogenic for Glycine encephalopathy. Last evaluated: 2022-03-10. Review status: criteria provided, single submitter. Criteria: Invitae Variant Classification Sherloc (09022015). Collection method: clinical testing. Allele origin: germline.
Comment: For these reasons, this variant has been classified as Pathogenic. This variant has not been reported in the literature in individuals affected with GLDC-related conditions. This variant is not present in population databases (gnomAD no frequency). This sequence change creates a premature translational stop signal (p.Thr119Metfs*110) in the GLDC gene. It is expected to result in an absent or disrupted protein product. Loss-of-function variants in GLDC are known to be pathogenic (PMID: 16601880).

Literature cited by the submitters: PubMed 16601880.